The following is an entry in ClinVar:

ClinVar aggregate classification (germline): Pathogenic (1 of 4 stars; one submission).

Submission:

Genetic Services Laboratory, University of Chicago
Classification: Pathogenic. Last evaluated: 2019-10-11. Review status: criteria provided, single submitter. Criteria: ACMG Guidelines, 2015. Collection method: clinical testing. Allele origin: germline. Affected: yes.
Comment: DNA sequence analysis of the ZFP57 gene identified a homozygous four base pair duplication in exon 2, c.194_197dup. This pathogenic sequence change results in an amino acid frameshift and creates a premature stop codon 12 amino acids downstream of the mutation, p.Val67Glufs*13. This pathogenic sequence change was observed along with hypomethylation at the 6q24 region.

NM_001109809.5(ZFP57):c.194_197dup (p.Val67fs)

Gene: ZFP57 (ZFP57 zinc finger protein; minus strand). Cytogenetic location: 6p22.1.
Variant type: Microsatellite.
Coding change: c.194_197dup on transcript NM_001109809.5 (MANE Select); coding-DNA positions 194 to 197, 4 bases duplicated (AGAG; older notation c.194_197dupAGAG).
Protein change: p.Val67fs; shifts the reading frame from valine 67.
Molecular consequence: frameshift variant. On other transcripts: 5 prime UTR variant (1).
Genome position (GRCh38, 1-based): chr6:29,675,986-29,675,989, CTCT duplicated on the plus strand (AGAG on the coding strand, the reverse complement: ZFP57 is on the minus strand). VCF-style (leftmost placement, unchanged base first): chr6-29675985-C-CCTCT. GRCh37 (hg19) VCF-style: chr6-29643762-C-CCTCT.
Other names: c.-23AG[4] (NM_001366333.2); short protein forms V67fs.
Identifiers: ClinVar variation 1338549 (VCV001338549.4), dbSNP rs2127547308, ClinGen allele CA2580614850.